The following is an entry in ClinVar:

NM_018975.4(TERF2IP):c.559C>T (p.His187Tyr)

Gene: TERF2IP (TERF2 interacting protein; plus strand). Cytogenetic location: 16q23.1.
Variant type: single nucleotide variant.
Coding change: c.559C>T on transcript NM_018975.4 (MANE Select); coding-DNA position 559, C replaced by T.
Protein change: p.His187Tyr; replaces histidine 187 with tyrosine.
Molecular consequence: missense variant. On other transcripts: non-coding transcript variant (1).
Genome position (GRCh38, 1-based): chr16:75,648,441, C>T. VCF-style: chr16-75648441-C-T. GRCh37 (hg19) VCF-style: chr16-75682339-C-T.
Other names: short protein forms H187Y.
Identifiers: ClinVar variation 1748530 (VCV001748530.2), dbSNP rs1164288417, ClinGen allele CA396818169.

ClinVar aggregate classification (germline): Uncertain significance (1 of 4 stars; one submission).

Allele frequency attached by ClinVar (database versions not stated): TOPMed below 0.00001.

Submission:

Ambry Genetics
Classification: Uncertain significance. Last evaluated: 2022-05-06. Review status: criteria provided, single submitter. Criteria: Ambry Variant Classification Scheme 2023. Collection method: clinical testing. Allele origin: germline.
Comment: The p.H187Y variant (also known as c.559C>T), located in coding exon 1 of the TERF2IP gene, results from a C to T substitution at nucleotide position 559. The histidine at codon 187 is replaced by tyrosine, an amino acid with similar properties. This amino acid position is conserved. In addition, this alteration is predicted to be tolerated by in silico analysis. Since supporting evidence is limited at this time, the clinical significance of this alteration remains unclear.